The following is an entry in ClinVar:

NM_001165963.4(SCN1A):c.4220G>A (p.Arg1407Gln)

Genes: SCN1A (sodium voltage-gated channel alpha subunit 1; minus strand), LOC102724058 (uncharacterized LOC102724058; plus strand). Cytogenetic location: 2q24.3.
Variant type: single nucleotide variant.
Coding change: c.4220G>A on transcript NM_001165963.4 (MANE Select); coding-DNA position 4220, G replaced by A.
Protein change: p.Arg1407Gln; replaces arginine 1407 with glutamine.
Molecular consequence: missense variant. On other transcripts: non-coding transcript variant (1).
Genome position (GRCh38, 1-based): chr2:166,002,536, C>T on the plus strand (G>A on the coding strand, the complement: SCN1A is on the minus strand). VCF-style: chr2-166002536-C-T. GRCh37 (hg19) VCF-style: chr2-166859046-C-T.
Other names: c.4136G>A, p.Arg1379Gln (NM_001165964.3, NM_001353957.2, NM_001353958.2); c.4220G>A, p.Arg1407Gln (NM_001202435.3, NM_001353948.2); c.4187G>A, p.Arg1396Gln (NM_001353949.2, NM_001353950.2, NM_001353951.2 and 2 more transcripts); c.4184G>A, p.Arg1395Gln (NM_001353954.2, NM_001353955.2); c.4133G>A, p.Arg1378Gln (NM_001353960.2); c.1778G>A, p.Arg593Gln (NM_001353961.2); short protein forms R1379Q, R1395Q, R1407Q, R1396Q, R593Q, R1378Q.
Identifiers: ClinVar variation 893618 (VCV000893618.15), dbSNP rs1691045272, ClinGen allele CA349050004.

ClinVar aggregate classification (germline): Uncertain significance. Review status: criteria provided, multiple submitters, no conflicts (2 of 4 stars). 6 submissions from 5 submitters: Uncertain significance (6). Last evaluated 2025-09-16.

Conditions:
Generalized epilepsy with febrile seizures plus, type 2 (GEFSP2). Also called: GEFS+, TYPE 2. Identifiers: Orphanet 36387, MedGen C1858673, MONDO:0011461, OMIM 604403.
Migraine, familial hemiplegic, 3. Identifiers: Orphanet 569, MedGen C1864987, MONDO:0012320, OMIM 609634.
Early-infantile DEE. Also called: Early infantile epileptic encephalopathy with suppression bursts; Ohtahara syndrome; Early infantile epileptic encephalopathy. Identifiers: Orphanet 1934, MedGen C0393706, MONDO:0800491.
Severe myoclonic epilepsy in infancy (DRVT). Also called: SEVERE MYOCLONIC EPILEPSY OF INFANCY; Epileptic encephalopathy, early infantile, 6 (Dravet syndrome); Dravet syndrome; DEVELOPMENTAL AND EPILEPTIC ENCEPHALOPATHY 6A; Severe Myoclonic Epilepsy in Infancy (SMEI). Identifiers: Orphanet 33069, MedGen C0751122, MONDO:0100135, OMIM 607208.

Allele frequency attached by ClinVar (database versions not stated): gnomAD exomes 0.00001.
gnomAD v4.1: 9 of 1,611,634 alleles (0.00056%); highest among the groups gnomAD compares: Middle Eastern, 0.066%; no homozygotes.

Submissions (6):

Labcorp Genetics (formerly Invitae), Labcorp
Classification: Uncertain significance for Early-infantile DEE. Last evaluated: 2025-09-16. Review status: criteria provided, single submitter. Criteria: Invitae Variant Classification Sherloc (09022015). Collection method: clinical testing. Allele origin: germline.
Comment: This sequence change replaces arginine, which is basic and polar, with glutamine, which is neutral and polar, at codon 1407 of the SCN1A protein (p.Arg1407Gln). This variant is not present in population databases (gnomAD no frequency). This variant has not been reported in the literature in individuals affected with SCN1A-related conditions. ClinVar contains an entry for this variant (Variation ID: 893618). Invitae Evidence Modeling of protein sequence and biophysical properties (such as structural, functional, and spatial information, amino acid conservation, physicochemical variation, residue mobility, and thermodynamic stability) indicates that this missense variant is expected to disrupt SCN1A protein function with a positive predictive value of 95%. In summary, the available evidence is currently insufficient to determine the role of this variant in disease. Therefore, it has been classified as a Variant of Uncertain Significance.

Genomic Medicine Center of Excellence, King Faisal Specialist Hospital and Research Centre
Classification: Uncertain significance for Severe myoclonic epilepsy in infancy. Last evaluated: 2025-09-10. Review status: criteria provided, single submitter. Criteria: ACMG Guidelines, 2015. Collection method: clinical testing. Allele origin: germline.

Institute of Human Genetics, University of Leipzig Medical Center
Classification: Uncertain significance for Generalized epilepsy with febrile seizures plus, type 2. Last evaluated: 2022-02-18. Review status: criteria provided, single submitter. Criteria: ACMG Guidelines, 2015. Collection method: clinical testing. Allele origin: unknown. Affected: yes.
Comment: _x000D_ Criteria applied: PM2_SUP, PP2, PP3

Blueprint Genetics
Classification: Uncertain significance. Last evaluated: 2019-12-03. Review status: criteria provided, single submitter. Criteria: ACMG Guidelines, 2015. Collection method: clinical testing. Allele origin: germline.

Illumina Laboratory Services, Illumina
Classification: Uncertain significance for Migraine, familial hemiplegic, 3. Last evaluated: 2018-01-13. Review status: criteria provided, single submitter. Criteria: ICSL Variant Classification Criteria 13 December 2019. Collection method: clinical testing. Allele origin: germline.

Illumina Laboratory Services, Illumina
Classification: Uncertain significance for Generalized epilepsy with febrile seizures plus, type 2. Last evaluated: 2018-01-13. Review status: criteria provided, single submitter. Criteria: ICSL Variant Classification Criteria 13 December 2019. Collection method: clinical testing. Allele origin: germline.